The following is an entry in ClinVar:

ClinVar aggregate classification (germline): Uncertain significance (1 of 4 stars; one submission).

Submission:

Labcorp Genetics (formerly Invitae), Labcorp
Classification: Uncertain significance. Last evaluated: 2024-01-07. Review status: criteria provided, single submitter. Criteria: Invitae Variant Classification Sherloc (09022015). Collection method: clinical testing. Allele origin: unknown.
Comment: A copy number gain of the genomic region encompassing the full coding sequence of the P2RX2 gene has been identified. The boundaries of this event are unknown as they extend beyond the assayed region for this gene and therefore may encompass additional genes. As the precise location of this event is unknown, it may be in tandem or it may be located elsewhere in the genome. This variant has not been reported in the literature in individuals affected with P2RX2-related conditions. In summary, the available evidence is currently insufficient to determine the role of this variant in disease. Therefore, it has been classified as a Variant of Uncertain Significance.

NC_000012.11:g.(?_133195403)_(133263901_?)dup

Genes: P2RX2 (purinergic receptor P2X 2; plus strand), POLE (DNA polymerase epsilon, catalytic subunit; minus strand). Cytogenetic location: 12q24.33.
Variant type: Duplication.
Identifiers: ClinVar variation 3244449 (VCV003244449.1).